The following is an entry in ClinVar:

NM_000384.3(APOB):c.3972G>T (p.Lys1324Asn)

Gene: APOB (apolipoprotein B; minus strand). Cytogenetic location: 2p24.1.
Variant type: single nucleotide variant.
Coding change: c.3972G>T on transcript NM_000384.3 (MANE Select); coding-DNA position 3972, G replaced by T.
Protein change: p.Lys1324Asn; replaces lysine 1324 with asparagine.
Molecular consequence: missense variant.
Genome position (GRCh38, 1-based): chr2:21,013,404, C>A on the plus strand (G>T on the coding strand, the complement: APOB is on the minus strand). VCF-style: chr2-21013404-C-A. GRCh37 (hg19) VCF-style: chr2-21236276-C-A.
Other names: short protein forms K1324N.
Identifiers: ClinVar variation 630315 (VCV000630315.23), dbSNP rs775070656, ClinGen allele CA060267.

ClinVar aggregate classification (germline): Conflicting classifications of pathogenicity. Review status: criteria provided, conflicting classifications (1 of 4 stars). 5 submissions from 4 submitters: Uncertain significance (4); Likely benign (1). Last evaluated 2025-09-14.

Conditions:
Cardiovascular phenotype. Identifiers: MedGen CN230736.
Hypercholesterolemia, autosomal dominant, type B (FHCL2). Also called: APOB-Related Familial Hypercholesterolemia, Autosomal Dominant; Hyperlipoproteinemia Type IIb; Familial Hypercholesterolemia Type B; APOLIPOPROTEIN B-100, FAMILIAL DEFECTIVE; APOLIPOPROTEIN B-100, FAMILIAL LIGAND-DEFECTIVE; Familial hypercholesterolemia 2. Identifiers: MedGen C1704417, MONDO:0007751, OMIM 144010.
Familial hypobetalipoproteinemia 1. Also called: APOB-Related Familial Hypobetalipoproteinemia; Hypobetalipoproteinemia, normotriglyceridemic; Acanthocytosis with hypobetalipoproteinemia. Identifiers: MedGen C4551990, MONDO:0014252, OMIM 615558.

Allele frequency attached by ClinVar (database versions not stated): ExAC 0.00001; gnomAD exomes 0.00003; TOPMed 0.00006; gnomAD 0.00007 and 0.00009.
gnomAD v4.1: 72 of 1,614,112 alleles (0.0045%); highest among the groups gnomAD compares: Middle Eastern, 0.049%; no homozygotes.

Submissions (5):

Labcorp Genetics (formerly Invitae), Labcorp
Classification: Likely benign for Familial hypobetalipoproteinemia 1; Hypercholesterolemia, autosomal dominant, type B. Last evaluated: 2025-09-14. Review status: criteria provided, single submitter. Criteria: Invitae Variant Classification Sherloc (09022015). Collection method: clinical testing. Allele origin: germline.

Ambry Genetics
Classification: Uncertain significance for Cardiovascular phenotype. Last evaluated: 2024-05-12. Review status: criteria provided, single submitter. Criteria: Ambry Variant Classification Scheme 2023. Collection method: clinical testing. Allele origin: germline.
Comment: The p.K1324N variant (also known as c.3972G>T), located in coding exon 25 of the APOB gene, results from a G to T substitution at nucleotide position 3972. The lysine at codon 1324 is replaced by asparagine, an amino acid with similar properties. This amino acid position is conserved. In addition, this alteration is predicted to be tolerated by in silico analysis. Since supporting evidence is limited at this time, the clinical significance of this alteration remains unclear.

Fulgent Genetics
Classification: Uncertain significance for Hypercholesterolemia, autosomal dominant, type B; Familial hypobetalipoproteinemia 1. Last evaluated: 2021-07-13. Review status: criteria provided, single submitter. Criteria: ACMG Guidelines, 2015. Collection method: clinical testing. Allele origin: unknown.

Illumina Laboratory Services, Illumina
Classification: Uncertain significance for Hypercholesterolemia, autosomal dominant, type B. Last evaluated: 2018-01-13. Review status: criteria provided, single submitter. Criteria: ICSL Variant Classification Criteria 13 December 2019. Collection method: clinical testing. Allele origin: germline.

Illumina Laboratory Services, Illumina
Classification: Uncertain significance for Familial hypobetalipoproteinemia 1. Last evaluated: 2018-01-13. Review status: criteria provided, single submitter. Criteria: ICSL Variant Classification Criteria 13 December 2019. Collection method: clinical testing. Allele origin: germline.